The following is an entry in ClinVar:

ClinVar aggregate classification (germline): Uncertain significance. Review status: criteria provided, multiple submitters, no conflicts (2 of 4 stars). 2 submissions from 2 submitters: Uncertain significance (2). Last evaluated 2021-08-28.

Conditions:
Inborn genetic diseases. Identifiers: MedGen C0950123, MeSH D030342.
Charcot-Marie-Tooth disease recessive intermediate C. Also called: CHARCOT-MARIE-TOOTH NEUROPATHY, RECESSIVE INTERMEDIATE C. Identifiers: Orphanet 369867, MedGen C3809309, MONDO:0014154, OMIM 615376.
Neuronopathy, distal hereditary motor, autosomal recessive 4. Also called: Autosomal recessive lower motor neuron disease with childhood onset; NEUROPATHY, DISTAL HEREDITARY MOTOR, AUTOSOMAL RECESSIVE 4. Identifiers: Orphanet 206580, MedGen C1970211, MONDO:0012608, OMIM 611067.

Allele frequency attached by ClinVar (database versions not stated): gnomAD 0.00001; gnomAD exomes 0.00001; TOPMed 0.00001; ExAC 0.00002; ESP Exome Variant Server 0.00015.
gnomAD v4.1: 11 of 1,611,326 alleles (0.00068%); highest among the groups gnomAD compares: South Asian, 0.0022%; no homozygotes.

Submissions (2):

Labcorp Genetics (formerly Invitae), Labcorp
Classification: Uncertain significance for Neuronopathy, distal hereditary motor, autosomal recessive 4; Charcot-Marie-Tooth disease recessive intermediate C. Last evaluated: 2021-08-28. Review status: criteria provided, single submitter. Criteria: Invitae Variant Classification Sherloc (09022015). Collection method: clinical testing. Allele origin: germline.
Comment: This sequence change replaces serine with phenylalanine at codon 812 of the PLEKHG5 protein (p.Ser812Phe). The serine residue is moderately conserved and there is a large physicochemical difference between serine and phenylalanine. This variant is present in population databases (rs145009237, ExAC 0.004%). This variant has not been reported in the literature in individuals affected with PLEKHG5-related conditions. Algorithms developed to predict the effect of missense changes on protein structure and function are either unavailable or do not agree on the potential impact of this missense change (SIFT: "Deleterious"; PolyPhen-2: "Probably Damaging"; Align-GVGD: "Class C0"). In summary, the available evidence is currently insufficient to determine the role of this variant in disease. Therefore, it has been classified as a Variant of Uncertain Significance.

Ambry Genetics
Classification: Uncertain significance for Inborn genetic diseases. Last evaluated: 2020-02-28. Review status: criteria provided, single submitter. Criteria: Ambry Variant Classification Scheme 2023. Collection method: clinical testing. Allele origin: germline.
Comment: The p.S812F variant (also known as c.2435C>T), located in coding exon 19 of the PLEKHG5 gene, results from a C to T substitution at nucleotide position 2435. The serine at codon 812 is replaced by phenylalanine, an amino acid with highly dissimilar properties. This amino acid position is highly conserved in available vertebrate species. In addition, the in silico prediction for this alteration is inconclusive. Since supporting evidence is limited at this time, the clinical significance of this alteration remains unclear.

NM_020631.6(PLEKHG5):c.2435C>T (p.Ser812Phe)

Gene: PLEKHG5 (pleckstrin homology and RhoGEF domain containing G5; minus strand). Cytogenetic location: 1p36.31.
Variant type: single nucleotide variant.
Coding change: c.2435C>T on transcript NM_020631.6 (MANE Select); coding-DNA position 2435, C replaced by T.
Protein change: p.Ser812Phe; replaces serine 812 with phenylalanine.
Molecular consequence: missense variant.
Genome position (GRCh38, 1-based): chr1:6,468,401, G>A on the plus strand (C>T on the coding strand, the complement: PLEKHG5 is on the minus strand). VCF-style: chr1-6468401-G-A. GRCh37 (hg19) VCF-style: chr1-6528461-G-A.
Other names: c.2546C>T, p.Ser849Phe (NM_001042663.3, NM_001265592.2); c.2435C>T, p.Ser812Phe (NM_001042664.2, NM_001042665.2, NM_001265594.3 and 1 more transcripts); c.2642C>T, p.Ser881Phe (NM_001265593.2); short protein forms S812F, S881F, S849F.
Identifiers: ClinVar variation 536781 (VCV000536781.10), dbSNP rs145009237, ClinGen allele CA561157.
Genomic context (GRCh38, chr1:6,468,401, plus strand): 5'-GCCACAAAGTCTTGTAAGGAGGTTGGGGAGAGGGTGCCGTAGGCAGAGTCCATGGAGCAG[G>A]AGCGGCCGTCCACCGGACCCAGGGGCAGCAGCTCACTGGTGGGCGTGGCAGATGAGGCAG-3'
Protein context (NP_065682.2, residues 802-822): LLPLGPVDGR[Ser812Phe]CSMDSAYGTL